The following is an entry in ClinVar:

ClinVar aggregate classification (germline): Uncertain significance. Review status: criteria provided, multiple submitters, no conflicts (2 of 4 stars). 2 submissions from 2 submitters: Uncertain significance (2). Last evaluated 2025-07-01.

Conditions:
Loeys-Dietz syndrome 4 (LDS4). Also called: ANEURYSM, AORTIC AND CEREBRAL, WITH ARTERIAL TORTUOSITY AND SKELETAL MANIFESTATIONS; TGFB2-Related Loeys-Dietz Syndrome. Identifiers: MedGen C3553762, MONDO:0013897, OMIM 614816.

Allele frequency attached by ClinVar (database versions not stated): gnomAD exomes 0.00001; ExAC 0.00003.
gnomAD v4.1: 10 of 1,602,006 alleles (0.00062%); highest among the groups gnomAD compares: South Asian, 0.01%; no homozygotes.

Submissions (2):

Labcorp Genetics (formerly Invitae), Labcorp
Classification: Uncertain significance for Loeys-Dietz syndrome 4. Last evaluated: 2025-07-01. Review status: criteria provided, single submitter. Criteria: Invitae Variant Classification Sherloc (09022015). Collection method: clinical testing. Allele origin: germline.
Comment: This sequence change replaces tyrosine, which is neutral and polar, with cysteine, which is neutral and slightly polar, at codon 123 of the TGFB2 protein (p.Tyr123Cys). This variant is present in population databases (rs755563719, gnomAD 0.02%). This variant has not been reported in the literature in individuals affected with TGFB2-related conditions. ClinVar contains an entry for this variant (Variation ID: 3242079). Invitae Evidence Modeling of protein sequence and biophysical properties (such as structural, functional, and spatial information, amino acid conservation, physicochemical variation, residue mobility, and thermodynamic stability) indicates that this missense variant is not expected to disrupt TGFB2 protein function with a negative predictive value of 80%. In summary, the available evidence is currently insufficient to determine the role of this variant in disease. Therefore, it has been classified as a Variant of Uncertain Significance.

Neuberg Centre For Genomic Medicine, NCGM
Classification: Uncertain significance for Loeys-Dietz syndrome 4. Review status: criteria provided, single submitter. Criteria: ACMG Guidelines, 2015. Collection method: clinical testing. Allele origin: germline. Inheritance: Autosomal dominant inheritance. Affected: yes.
Comment: The missense variant c.368A>G(p.Tyr123Cys) in TGFB2 gene has not been reported previously as a pathogenic variant nor as a benign variant, to our knowledge. The observed variant has allele frequency of 0.002% in gnomAD exomes database. This variant has not been submitted to the ClinVar database. The amino acid change p.Tyr123Cys in TGFB2 is predicted as conserved by GERP++ and PhyloP across 100 vertebrates. The amino acid Tyr at position 123 is changed to a Cys changing protein sequence and it might alter its composition and physico-chemical properties. For these reasons, this variant has been classified as Uncertain Significance (VUS)

NM_003238.6(TGFB2):c.368A>G (p.Tyr123Cys)

Gene: TGFB2 (transforming growth factor beta 2; plus strand). Cytogenetic location: 1q41.
Variant type: single nucleotide variant.
Coding change: c.368A>G on transcript NM_003238.6 (MANE Select); coding-DNA position 368, A replaced by G.
Protein change: p.Tyr123Cys; replaces tyrosine 123 with cysteine.
Molecular consequence: missense variant. On other transcripts: non-coding transcript variant (2).
Genome position (GRCh38, 1-based): chr1:218,405,190, A>G. VCF-style: chr1-218405190-A-G. GRCh37 (hg19) VCF-style: chr1-218578532-A-G.
Other names: c.452A>G, p.Tyr151Cys (NM_001135599.4); short protein forms Y123C, Y151C.
Identifiers: ClinVar variation 3242079 (VCV003242079.2), dbSNP rs755563719.